The following is an entry in ClinVar:

NM_004360.5(CDH1):c.387+4T>A

Gene: CDH1 (cadherin 1; plus strand). Cytogenetic location: 16q22.1.
Variant type: single nucleotide variant.
Coding change: c.387+4T>A on transcript NM_004360.5 (MANE Select); 4 bases into the intron after coding-DNA position 387, T replaced by A.
Molecular consequence: intron variant.
Genome position (GRCh38, 1-based): chr16:68,801,897, T>A. VCF-style: chr16-68801897-T-A. GRCh37 (hg19) VCF-style: chr16-68835800-T-A.
Other names: c.-1229+4T>A (NM_001317185.2); c.-1433+4T>A (NM_001317186.2); c.387+4T>A (NM_001317184.2).
Identifiers: ClinVar variation 4825320 (VCV004825320.1).

ClinVar aggregate classification (germline): Uncertain significance (1 of 4 stars; one submission).

Conditions:
Hereditary cancer-predisposing syndrome. Also called: Neoplastic Syndromes, Hereditary; Tumor predisposition; Hereditary Cancer Syndrome; Hereditary neoplastic syndrome. Identifiers: Orphanet 140162, MedGen C0027672, MeSH D009386, MONDO:0015356.

Submission:

Ambry Genetics
Classification: Uncertain significance for Hereditary cancer-predisposing syndrome. Last evaluated: 2026-02-19. Review status: criteria provided, single submitter. Criteria: Ambry Variant Classification Scheme 2023. Collection method: clinical testing. Allele origin: germline.
Comment: The c.387+4T>A intronic variant results from a T to A substitution 4 nucleotides after coding exon 3 in the CDH1 gene. This nucleotide position is not well conserved in available vertebrate species. In silico splice site analysis predicts that this alteration will not have any significant effect on splicing. Based on the available evidence, the clinical significance of this variant remains unclear.